The following is an entry in ClinVar:

ClinVar aggregate classification (germline): Pathogenic (1 of 4 stars; one submission).

Submission:

Labcorp Genetics (formerly Invitae), Labcorp
Classification: Pathogenic. Last evaluated: 2024-08-04. Review status: criteria provided, single submitter. Criteria: Invitae Variant Classification Sherloc (09022015). Collection method: clinical testing. Allele origin: germline.
Comment: This sequence change creates a premature translational stop signal (p.Trp657*) in the ACO2 gene. It is expected to result in an absent or disrupted protein product. Loss-of-function variants in ACO2 are known to be pathogenic (PMID: 30689204, 32519519). This variant is not present in population databases (gnomAD no frequency). This variant has not been reported in the literature in individuals affected with ACO2-related conditions. ClinVar contains an entry for this variant (Variation ID: 1454123). For these reasons, this variant has been classified as Pathogenic.

Literature cited by the submitters: PubMed 30689204; PubMed 32519519.

NM_001098.3(ACO2):c.1971G>A (p.Trp657Ter)

Genes: ACO2 (aconitase 2; plus strand), POLR3H (RNA polymerase III subunit H; minus strand). Cytogenetic location: 22q13.2.
Variant type: single nucleotide variant.
Coding change: c.1971G>A on transcript NM_001098.3 (MANE Select); coding-DNA position 1971, G replaced by A.
Protein change: p.Trp657Ter; replaces tryptophan 657 with a stop codon.
Molecular consequence: nonsense. On other transcripts: 3 prime UTR variant (5).
Genome position (GRCh38, 1-based): chr22:41,527,305, G>A. VCF-style: chr22-41527305-G-A. GRCh37 (hg19) VCF-style: chr22-41923309-G-A.
Other names: c.*1978C>T (NM_001018050.4, NM_001018052.4, NM_001282884.2 and 2 more transcripts); short protein forms W657*.
Identifiers: ClinVar variation 1454123 (VCV001454123.6), dbSNP rs2146149676, ClinGen allele CA411728823.